The following is an entry in ClinVar:

NM_198525.3(KIF7):c.3328C>T (p.Leu1110Phe)

Genes: KIF7 (kinesin family member 7; minus strand), LOC126862216 (BRD4-independent group 4 enhancer GRCh37_chr15:90171995-90173194; plus strand). Cytogenetic location: 15q26.1.
Variant type: single nucleotide variant.
Coding change: c.3328C>T on transcript NM_198525.3 (MANE Select); coding-DNA position 3328, C replaced by T.
Protein change: p.Leu1110Phe; replaces leucine 1110 with phenylalanine.
Molecular consequence: missense variant.
Genome position (GRCh38, 1-based): chr15:89,629,564, G>A on the plus strand (C>T on the coding strand, the complement: KIF7 is on the minus strand). VCF-style: chr15-89629564-G-A. GRCh37 (hg19) VCF-style: chr15-90172795-G-A.
Other names: short protein forms L1110F.
Identifiers: ClinVar variation 1996072 (VCV001996072.4), dbSNP rs751651054, ClinGen allele CA7727736.
Genomic context (GRCh38, chr15:89,629,564, plus strand): 5'-CCTCCAGCTGCATCTCCAGTTCCGAGAAGGCAATCTGCTGCTGGTGCTGCTCCTCTCGGA[G>A]CGTCACCACCTGTCCCAAGACCCAGCCAGGCTCAGCCCTCATCATGACCCCTCTTCATCC-3'
Protein context (NP_940927.2, residues 1100-1120): LCKYFDKVVT[Leu1110Phe]REEQHQQQIA

ClinVar aggregate classification (germline): Uncertain significance (1 of 4 stars; one submission).

Conditions:
Acrocallosal syndrome (ACLS). Also called: HALLUX DUPLICATION, POSTAXIAL POLYDACTYLY, AND ABSENCE OF CORPUS CALLOSUM; Schinzel syndrome 1; Absence of corpus callosum with unusual facial appearance, mental deficiency, duplication of the halluces and polydactyly. Identifiers: Orphanet 36, MedGen C0796147, MONDO:0008708, OMIM 200990.

Allele frequency attached by ClinVar (database versions not stated): ExAC 0.00001.

Submission:

Labcorp Genetics (formerly Invitae), Labcorp
Classification: Uncertain significance for Acrocallosal syndrome. Last evaluated: 2022-07-16. Review status: criteria provided, single submitter. Criteria: Invitae Variant Classification Sherloc (09022015). Collection method: clinical testing. Allele origin: germline.
Comment: In summary, the available evidence is currently insufficient to determine the role of this variant in disease. Therefore, it has been classified as a Variant of Uncertain Significance. Algorithms developed to predict the effect of missense changes on protein structure and function are either unavailable or do not agree on the potential impact of this missense change (SIFT: "Deleterious"; PolyPhen-2: "Probably Damaging"; Align-GVGD: "Class C15"). This variant has not been reported in the literature in individuals affected with KIF7-related conditions. This variant is present in population databases (rs751651054, gnomAD 0.0009%). This sequence change replaces leucine, which is neutral and non-polar, with phenylalanine, which is neutral and non-polar, at codon 1110 of the KIF7 protein (p.Leu1110Phe).